The following is an entry in ClinVar:

ClinVar aggregate classification (germline): Uncertain significance (1 of 4 stars; one submission).

Submission:

Ambry Genetics
Classification: Uncertain significance. Last evaluated: 2026-03-29. Review status: criteria provided, single submitter. Criteria: Ambry Variant Classification Scheme 2023. Collection method: clinical testing. Allele origin: germline.
Comment: The p.I730T variant (also known as c.2189T>C), located in coding exon 4 of the CDK12 gene, results from a T to C substitution at nucleotide position 2189. The isoleucine at codon 730 is replaced by threonine, an amino acid with similar properties. This amino acid position is conserved. In addition, this alteration is predicted to be deleterious by in silico analysis. Based on the available evidence, the clinical significance of this variant remains unclear.

NM_016507.4(CDK12):c.2189T>C (p.Ile730Thr)

Gene: CDK12 (cyclin dependent kinase 12; plus strand). Cytogenetic location: 17q12.
Variant type: single nucleotide variant.
Coding change: c.2189T>C on transcript NM_016507.4 (MANE Select); coding-DNA position 2189, T replaced by C.
Protein change: p.Ile730Thr; replaces isoleucine 730 with threonine.
Molecular consequence: missense variant.
Genome position (GRCh38, 1-based): chr17:39,492,831, T>C. VCF-style: chr17-39492831-T-C. GRCh37 (hg19) VCF-style: chr17-37649084-T-C.
Other names: c.2189T>C, p.Ile730Thr (NM_015083.4); short protein forms I730T.
Identifiers: ClinVar variation 4868464 (VCV004868464.1).